The following is an entry in ClinVar:

NM_000552.5(VWF):c.1181C>G (p.Ser394Ter)

Gene: VWF (von Willebrand factor; minus strand). Cytogenetic location: 12p13.31.
Variant type: single nucleotide variant.
Coding change: c.1181C>G on transcript NM_000552.5 (MANE Select); coding-DNA position 1181, C replaced by G.
Protein change: p.Ser394Ter; replaces serine 394 with a stop codon.
Molecular consequence: nonsense.
Genome position (GRCh38, 1-based): chr12:6,065,249, G>C on the plus strand (C>G on the coding strand, the complement: VWF is on the minus strand). VCF-style: chr12-6065249-G-C. GRCh37 (hg19) VCF-style: chr12-6174415-G-C.
Other names: short protein forms S394*.
Identifiers: ClinVar variation 3075940 (VCV003075940.1), dbSNP rs2497227407, ClinGen allele CA383503396.

ClinVar aggregate classification (germline): Likely pathogenic (1 of 4 stars; one submission).

Conditions:
Hereditary von Willebrand disease. Identifiers: Orphanet 903, MedGen C5703318, MONDO:0019565. Inheritance: Autosomal recessive or Autosomal dominant.

Submission:

Laboratory for Molecular Medicine, Mass General Brigham Personalized Medicine
Classification: Likely pathogenic for Hereditary von Willebrand disease. Last evaluated: 2023-02-02. Review status: criteria provided, single submitter. Criteria: ACMG Guidelines, 2015. Collection method: clinical testing. Allele origin: germline.
Comment: The p.Ser394X in VWF has not been reported in individuals with von Willebrand disease (VWD and was absent from large population databases. This nonsense variant leads to a premature termination codon at position 394, which is predicted to lead to a truncated or absent protein. Loss of function of the VWF gene is an established disease mechanism for VWD. In summary, although additional studies are required to fully establish its clinical significance, this variant meets criteria to be classified as likely pathogenic for autosomal recessive von Willebrand disease. ACMG/AMP criteria applied: PVS1, PM2_Supporting.